The following is an entry in ClinVar:

ClinVar aggregate classification (germline): Uncertain significance (1 of 4 stars; one submission).

Allele frequency attached by ClinVar (database versions not stated): gnomAD exomes 0.00001 and 0.00002; ExAC 0.00003.
gnomAD v4.1: 15 of 1,612,942 alleles (0.00093%); highest among the groups gnomAD compares: South Asian, 0.016%; no homozygotes.

Submission:

Labcorp Genetics (formerly Invitae), Labcorp
Classification: Uncertain significance. Last evaluated: 2022-11-01. Review status: criteria provided, single submitter. Criteria: Invitae Variant Classification Sherloc (09022015). Collection method: clinical testing. Allele origin: germline.
Comment: ClinVar contains an entry for this variant (Variation ID: 1057651). Algorithms developed to predict the effect of missense changes on protein structure and function (SIFT, PolyPhen-2, Align-GVGD) all suggest that this variant is likely to be disruptive. In summary, the available evidence is currently insufficient to determine the role of this variant in disease. Therefore, it has been classified as a Variant of Uncertain Significance. This sequence change replaces histidine, which is basic and polar, with arginine, which is basic and polar, at codon 948 of the RIMS1 protein (p.His948Arg). This variant is present in population databases (rs758230907, gnomAD 0.02%). This variant has not been reported in the literature in individuals affected with RIMS1-related conditions.

NM_014989.7(RIMS1):c.2843A>G (p.His948Arg)

Gene: RIMS1 (regulating synaptic membrane exocytosis 1; plus strand). Cytogenetic location: 6q13.
Variant type: single nucleotide variant.
Coding change: c.2843A>G on transcript NM_014989.7 (MANE Select); coding-DNA position 2843, A replaced by G.
Protein change: p.His948Arg; replaces histidine 948 with arginine.
Molecular consequence: missense variant.
Genome position (GRCh38, 1-based): chr6:72,258,197, A>G. VCF-style: chr6-72258197-A-G. GRCh37 (hg19) VCF-style: chr6-72967900-A-G.
Other names: c.1262A>G, p.His421Arg (NM_001168407.2, NM_001350415.2, NM_001350418.2 and 19 more transcripts); c.1265A>G, p.His422Arg (NM_001168408.2, NM_001350414.2, NM_001350416.2 and 15 more transcripts); c.1022A>G, p.His341Arg (NM_001168409.2, NM_001350464.2, NM_001350465.2 and 3 more transcripts); c.1220A>G, p.His407Arg (NM_001168410.2, NM_001350470.2, NM_001350473.2 and 1 more transcripts); c.1193A>G, p.His398Arg (NM_001350421.2, NM_001350430.2, NM_001350437.2 and 2 more transcripts); c.1196A>G, p.His399Arg (NM_001350424.2, NM_001350428.2, NM_001350459.2 and 1 more transcripts); c.1019A>G, p.His340Arg (NM_001350461.2, NM_001350463.2, NM_001350468.2); c.1217A>G, p.His406Arg (NM_001350472.2); short protein forms H340R, H341R, H398R, H399R, H406R, H407R, H421R, H422R.
Identifiers: ClinVar variation 1057651 (VCV001057651.7), dbSNP rs758230907, ClinGen allele CA3886048.